The following is an entry in ClinVar:

NM_022765.4(MICAL1):c.2975T>C (p.Met992Thr)

Gene: MICAL1 (microtubule associated monooxygenase, calponin and LIM domain containing 1; minus strand). Cytogenetic location: 6q21.
Variant type: single nucleotide variant.
Coding change: c.2975T>C on transcript NM_022765.4 (MANE Select); coding-DNA position 2975, T replaced by C.
Protein change: p.Met992Thr; replaces methionine 992 with threonine.
Molecular consequence: missense variant.
Genome position (GRCh38, 1-based): chr6:109,444,902, A>G on the plus strand (T>C on the coding strand, the complement: MICAL1 is on the minus strand). VCF-style: chr6-109444902-A-G. GRCh37 (hg19) VCF-style: chr6-109766105-A-G.
Other names: c.2717T>C, p.Met906Thr (NM_001159291.2); c.3032T>C, p.Met1011Thr (NM_001286613.2); short protein forms M906T, M1011T, M992T.
Identifiers: ClinVar variation 2135655 (VCV002135655.4), dbSNP rs2482765990, ClinGen allele CA365221138.

ClinVar aggregate classification (germline): Uncertain significance (1 of 4 stars; one submission).

Allele frequency attached by ClinVar (database versions not stated): gnomAD exomes below 0.00001.
gnomAD v4.1: 2 of 1,614,144 alleles (0.00012%); highest among the groups gnomAD compares: Non-Finnish European, 0.00017%; no homozygotes.

Submission:

Labcorp Genetics (formerly Invitae), Labcorp
Classification: Uncertain significance. Last evaluated: 2022-05-16. Review status: criteria provided, single submitter. Criteria: Invitae Variant Classification Sherloc (09022015). Collection method: clinical testing. Allele origin: germline.
Comment: In summary, the available evidence is currently insufficient to determine the role of this variant in disease. Therefore, it has been classified as a Variant of Uncertain Significance. Algorithms developed to predict the effect of missense changes on protein structure and function are either unavailable or do not agree on the potential impact of this missense change (SIFT: "Deleterious"; PolyPhen-2: "Probably Damaging"; Align-GVGD: "Class C0"). This variant has not been reported in the literature in individuals affected with MICAL1-related conditions. This variant is not present in population databases (gnomAD no frequency). This sequence change replaces methionine, which is neutral and non-polar, with threonine, which is neutral and polar, at codon 1011 of the MICAL1 protein (p.Met1011Thr).